The following is an entry in ClinVar:

ClinVar aggregate classification (germline): Uncertain significance. Review status: criteria provided, multiple submitters, no conflicts (2 of 4 stars). 2 submissions from 2 submitters: Uncertain significance (2). Last evaluated 2025-06-09.

Conditions:
Cardiovascular phenotype. Identifiers: MedGen CN230736.

Allele frequency attached by ClinVar (database versions not stated): TOPMed below 0.00001; gnomAD 0.00001; gnomAD exomes below 0.00001.
gnomAD v4.1: 3 of 1,601,694 alleles (0.00019%); highest among the groups gnomAD compares: African/African-American, 0.004%; no homozygotes.

Submissions (2):

Ambry Genetics
Classification: Uncertain significance for Cardiovascular phenotype. Last evaluated: 2025-06-09. Review status: criteria provided, single submitter. Criteria: Ambry Variant Classification Scheme 2023. Collection method: clinical testing. Allele origin: germline.
Comment: The p.Y1563C variant (also known as c.4688A>G), located in coding exon 26 of the APOB gene, results from an A to G substitution at nucleotide position 4688. The tyrosine at codon 1563 is replaced by cysteine, an amino acid with highly dissimilar properties. This amino acid position is conserved. In addition, this alteration is predicted to be tolerated by in silico analysis. Based on the available evidence, the clinical significance of this variant remains unclear.

GeneDx
Classification: Uncertain significance. Last evaluated: 2022-12-30. Review status: criteria provided, single submitter. Criteria: GeneDx Variant Classification Process June 2021. Collection method: clinical testing. Allele origin: germline. Affected: yes.
Comment: Not observed at significant frequency in large population cohorts (gnomAD); In silico analysis supports that this missense variant has a deleterious effect on protein structure/function; Has not been previously published as pathogenic or benign to our knowledge

NM_000384.3(APOB):c.4688A>G (p.Tyr1563Cys)

Gene: APOB (apolipoprotein B; minus strand). Cytogenetic location: 2p24.1.
Variant type: single nucleotide variant.
Coding change: c.4688A>G on transcript NM_000384.3 (MANE Select); coding-DNA position 4688, A replaced by G.
Protein change: p.Tyr1563Cys; replaces tyrosine 1563 with cysteine.
Molecular consequence: missense variant.
Genome position (GRCh38, 1-based): chr2:21,012,180, T>C on the plus strand (A>G on the coding strand, the complement: APOB is on the minus strand). VCF-style: chr2-21012180-T-C. GRCh37 (hg19) VCF-style: chr2-21235052-T-C.
Other names: short protein forms Y1563C.
Identifiers: ClinVar variation 2507167 (VCV002507167.2), dbSNP rs1448131509, ClinGen allele CA346006350.